The following is an entry in ClinVar:

NM_003119.4(SPG7):c.861+1G>T

Gene: SPG7 (SPG7 matrix AAA peptidase subunit, paraplegin; plus strand). Cytogenetic location: 16q24.3.
Variant type: single nucleotide variant.
Coding change: c.861+1G>T on transcript NM_003119.4 (MANE Select); the canonical splice donor site of the intron after coding-DNA position 861, G replaced by T.
Molecular consequence: splice donor variant.
Genome position (GRCh38, 1-based): chr16:89,529,580, G>T. VCF-style: chr16-89529580-G-T. GRCh37 (hg19) VCF-style: chr16-89595988-G-T.
Other names: c.861+1G>T (NM_001363850.1, NM_199367.3).
Identifiers: ClinVar variation 533737 (VCV000533737.9), dbSNP rs1412575396, ClinGen allele CA397418835.
Genomic context (GRCh38, chr16:89,529,580, plus strand): 5'-CTGTGGTATGTTTTCCGTCTGGCCGGGATGACTGGAAGGGAAGGTGGATTCAGTGCTTTT[G>T]TAAGTTCTGTAAATCAGAGCTCTCTGAACTCTTTCTGGTTTGTGTTTGCTGAATACTTTT-3'

ClinVar aggregate classification (germline): Pathogenic (1 of 4 stars; one submission).

Conditions:
Hereditary spastic paraplegia 7 (SPG7). Also called: SPG7-related neurologic disorder; SPASTIC PARAPLEGIA 7, AUTOSOMAL RECESSIVE, WITH OR WITHOUT CEREBELLAR ATAXIA; Spastic paraplegia 7; Hereditary spastic paraplegia Paraplegin type; Autosomal recessive spastic paraplegia type 7. Identifiers: Orphanet 99013, MedGen C1846564, MONDO:0011803, OMIM 607259.

gnomAD v4.1: 2 of 1,600,338 alleles (0.00012%); highest among the groups gnomAD compares: Non-Finnish European, 0.00017%; no homozygotes.

Submission:

Labcorp Genetics (formerly Invitae), Labcorp
Classification: Pathogenic for Hereditary spastic paraplegia 7. Last evaluated: 2022-10-28. Review status: criteria provided, single submitter. Criteria: Invitae Variant Classification Sherloc (09022015). Collection method: clinical testing. Allele origin: germline.
Comment: Disruption of this splice site has been observed in individuals with hereditary spastic paraplegia (PMID: 31433872; Invitae). For these reasons, this variant has been classified as Pathogenic. Algorithms developed to predict the effect of sequence changes on RNA splicing suggest that this variant may disrupt the consensus splice site. ClinVar contains an entry for this variant (Variation ID: 533737). This variant is not present in population databases (gnomAD no frequency). This sequence change affects a donor splice site in intron 6 of the SPG7 gene. It is expected to disrupt RNA splicing. Variants that disrupt the donor or acceptor splice site typically lead to a loss of protein function (PMID: 16199547), and loss-of-function variants in SPG7 are known to be pathogenic (PMID: 21623769, 22964162).

Literature cited by the submitters: PubMed 31433872; PubMed 16199547; PubMed 21623769; PubMed 22964162.